The following is an entry in ClinVar:

ClinVar aggregate classification (germline): Pathogenic (1 of 4 stars; one submission).

Conditions:
Hereditary spastic paraplegia 54. Also called: Spastic paraplegia 54, autosomal recessive. Identifiers: Orphanet 320380, MedGen C3539495, MONDO:0014018, OMIM 615033.

Submission:

Labcorp Genetics (formerly Invitae), Labcorp
Classification: Pathogenic for Hereditary spastic paraplegia 54. Last evaluated: 2025-12-20. Review status: criteria provided, single submitter. Criteria: Invitae Variant Classification Sherloc (09022015). Collection method: clinical testing. Allele origin: germline.
Comment: This sequence change creates a premature translational stop signal (p.Glu414Leufs*13) in the DDHD2 gene. It is expected to result in an absent or disrupted protein product. Loss-of-function variants in DDHD2 are known to be pathogenic (PMID: 23176823, 23486545). This variant is not present in population databases (gnomAD no frequency). This variant has not been reported in the literature in individuals affected with DDHD2-related conditions. For these reasons, this variant has been classified as Pathogenic.

Literature cited by the submitters: PubMed 23176823; PubMed 23486545.

NM_015214.3(DDHD2):c.1240_1243del (p.Glu414fs)

Gene: DDHD2 (DDHD domain containing 2; plus strand). Cytogenetic location: 8p11.23.
Variant type: Deletion.
Coding change: c.1240_1243del on transcript NM_015214.3 (MANE Select); coding-DNA positions 1240 to 1243, 4 bases deleted (GAAG; older notation c.1240_1243delGAAG).
Protein change: p.Glu414fs; shifts the reading frame from glutamic acid 414.
Molecular consequence: frameshift variant. On other transcripts: non-coding transcript variant (2).
Genome position (GRCh38, 1-based): chr8:38,247,827-38,247,830, GAAG deleted; deleting any 4 consecutive bases within chr8:38,247,824-38,247,830 gives the same sequence; the c. name uses the placement nearest the transcript's 3' end. VCF-style (leftmost placement, unchanged base first): chr8-38247823-TAAGG-T. GRCh37 (hg19) VCF-style: chr8-38105341-TAAGG-T.
Other names: c.1240_1243del, p.Glu414fs (NM_001164232.2, NM_001362911.2, NM_001362912.2 and 1 more transcripts); c.1150_1153del, p.Glu384fs (NM_001362913.2); short protein forms E384fs, E414fs.
Identifiers: ClinVar variation 4738058 (VCV004738058.1).